The following is an entry in ClinVar:

NM_003060.4(SLC22A5):c.105C>T (p.Thr35=)

Gene: SLC22A5 (solute carrier family 22 member 5; plus strand). Cytogenetic location: 5q31.1.
Variant type: single nucleotide variant.
Coding change: c.105C>T on transcript NM_003060.4 (MANE Select); coding-DNA position 105, C replaced by T.
Protein change: p.Thr35=; no amino-acid change (threonine 35 retained).
Molecular consequence: synonymous variant.
Genome position (GRCh38, 1-based): chr5:132,370,077, C>T. VCF-style: chr5-132370077-C-T. GRCh37 (hg19) VCF-style: chr5-131705769-C-T.
Other names: c.105C>T, p.Thr35= (NM_001308122.2).
Identifiers: ClinVar variation 772715 (VCV000772715.12), dbSNP rs765461422, ClinGen allele CA3403783.

ClinVar aggregate classification (germline): Likely benign. Review status: criteria provided, single submitter (1 of 4 stars). 2 submissions from 2 submitters: Likely benign (1). 1 of the submissions does not count toward it. Last evaluated 2026-01-12.

Conditions:
Renal carnitine transport defect (CDSP). Also called: Systemic primary carnitine deficiency; Systemic primary carnitine deficiency disease; Carnitine transporter deficiency; Carnitine Deficiency, Systemic; Primary carnitine deficiency; CARNITINE DEFICIENCY, SYSTEMIC, DUE TO DEFECT IN RENAL REABSORPTION OF CARNITINE. Identifiers: Orphanet 158, MedGen C0342788, MONDO:0008919, OMIM 212140.
SLC22A5-related disorder. Also called: SLC22A5-related condition.

Allele frequency attached by ClinVar (database versions not stated): ExAC below 0.00001; gnomAD 0.00001; gnomAD exomes 0.00001 and 0.00002; TOPMed 0.00002.

Submissions (2):

Labcorp Genetics (formerly Invitae), Labcorp
Classification: Likely benign for Renal carnitine transport defect. Last evaluated: 2026-01-12. Review status: criteria provided, single submitter. Criteria: Invitae Variant Classification Sherloc (09022015). Collection method: clinical testing. Allele origin: germline.

PreventionGenetics, part of Exact Sciences
Classification: Likely benign for SLC22A5-related condition. Last evaluated: 2021-09-07. Review status: no assertion criteria provided. Collection method: clinical testing. Allele origin: germline. Not counted in ClinVar's aggregate classification.
Comment: This variant is classified as likely benign based on ACMG/AMP sequence variant interpretation guidelines (Richards et al. 2015 PMID: 25741868, with internal and published modifications).